The following is an entry in ClinVar:

NM_001374385.1(ATP8B1):c.1594G>A (p.Ala532Thr)

Gene: ATP8B1 (ATPase phospholipid transporting 8B1; minus strand). Cytogenetic location: 18q21.31.
Variant type: single nucleotide variant.
Coding change: c.1594G>A on transcript NM_001374385.1 (MANE Select); coding-DNA position 1594, G replaced by A.
Protein change: p.Ala532Thr; replaces alanine 532 with threonine.
Molecular consequence: missense variant.
Genome position (GRCh38, 1-based): chr18:57,684,072, C>T on the plus strand (G>A on the coding strand, the complement: ATP8B1 is on the minus strand). VCF-style: chr18-57684072-C-T. GRCh37 (hg19) VCF-style: chr18-55351304-C-T.
Other names: c.1444G>A, p.Ala482Thr (NM_001374386.1); c.1594G>A, p.Ala532Thr (NM_005603.6); short protein forms A482T, A532T.
Identifiers: ClinVar variation 3362710 (VCV003362710.3).
Genomic context (GRCh38, chr18:57,684,072, plus strand): 5'-CTGAGATGCCAGAGAAACACTCACCATCAGTCCTATCCACCATGACTGTGTGGCAAACTG[C>T]GAGCAAGAAGAAGAACTGTCGTACTTCTGGCTCTTTCCCTGACTGGATTTGCTCAATAAG-3'
Protein context (NP_001361314.1, residues 522-542): PEVRQFFFLL[Ala532Thr]VCHTVMVDRT

ClinVar aggregate classification (germline): Uncertain significance. Review status: criteria provided, multiple submitters, no conflicts (2 of 4 stars). 3 submissions from 3 submitters: Uncertain significance (3). Last evaluated 2026-04-14.

Conditions:
Familial intrahepatic cholestasis. Identifiers: Orphanet 284385, MedGen CN296401, MONDO:0017290.
Cholestasis, intrahepatic, of pregnancy, 1 (ICP1). Also called: CHOLESTASIS, PREGNANCY-RELATED, 1. Identifiers: Orphanet 69665, MedGen C3549845, MONDO:0007829, OMIM 147480.

gnomAD v4.1: 10 of 1,614,068 alleles (0.00062%); highest among the groups gnomAD compares: Middle Eastern, 0.049%; no homozygotes.

Submissions (3):

Genomenon, Inc
Classification: Uncertain significance for Familial intrahepatic cholestasis. Last evaluated: 2026-04-14. Review status: criteria provided, single submitter. Criteria: Genomenon Sequence Variant Interpretation Standards - Updated. Collection method: curation. Allele origin: germline. Affected: no.
Comment: ATP8B1 p.Ala532Thr (c.1594G>A) is a missense variant that changes the amino acid at residue 532 from Alanine to Threonine. This variant has been reported in the published literature (PMID:28039895). It is absent or not present at a significant frequency in gnomAD. In conclusion, we classify ATP8B1 p.Ala532Thr (c.1594G>A) as a variant of uncertain significance.

Women's Health and Genetics/Laboratory Corporation of America, LabCorp
Classification: Uncertain significance. Last evaluated: 2025-05-27. Review status: criteria provided, single submitter. Criteria: LabCorp Variant Classification Summary - May 2015. Collection method: clinical testing. Allele origin: germline.
Comment: Variant summary: ATP8B1 c.1594G>A (p.Ala532Thr) results in a non-conservative amino acid change in the encoded protein sequence. Algorithms developed to predict the effect of missense changes on protein structure and function all suggest that this variant is likely to be disruptive. The variant allele was found at a frequency of 4e-06 in 251388 control chromosomes (gnomAD). c.1594G>A has been observed in an individual affected with Familial Intrahepatic Cholestasis (Shagrani_2017). These data indicate that the variant may be associated with disease. To our knowledge, no experimental evidence demonstrating an impact on protein function has been reported. The following publication has been ascertained in the context of this evaluation (PMID: 28039895). ClinVar contains an entry for this variant (Variation ID: 3362710). Based on the evidence outlined above, the variant was classified as VUS-possibly pathogenic.

Genomic Medicine Center of Excellence, King Faisal Specialist Hospital and Research Centre
Classification: Uncertain significance for Cholestasis, intrahepatic, of pregnancy, 1. Last evaluated: 2024-09-22. Review status: criteria provided, single submitter. Criteria: ACMG Guidelines, 2015. Collection method: clinical testing. Allele origin: germline.

Literature cited by the submitters: PubMed 28039895 (cited by Genomenon, Inc and Women's Health and Genetics/Laboratory Corporation of America, LabCorp).